The following is an entry in ClinVar:

ClinVar aggregate classification (germline): Uncertain significance (1 of 4 stars; one submission).

Allele frequency attached by ClinVar (database versions not stated): ExAC 0.00001; gnomAD 0.00001; gnomAD exomes 0.00002; TOPMed 0.00004.
gnomAD v4.1: 11 of 1,608,418 alleles (0.00068%); highest among the groups gnomAD compares: Admixed American, 0.019%; no homozygotes.

Submission:

Labcorp Genetics (formerly Invitae), Labcorp
Classification: Uncertain significance. Last evaluated: 2025-09-15. Review status: criteria provided, single submitter. Criteria: Invitae Variant Classification Sherloc (09022015). Collection method: clinical testing. Allele origin: germline.
Comment: This sequence change replaces cysteine, which is neutral and slightly polar, with arginine, which is basic and polar, at codon 30 of the MRPL12 protein (p.Cys30Arg). This variant is present in population databases (rs766192147, gnomAD 0.02%). This variant has not been reported in the literature in individuals affected with MRPL12-related conditions. ClinVar contains an entry for this variant (Variation ID: 1985685). An algorithm developed to predict the effect of missense changes on protein structure and function (PolyPhen-2) suggests that this variant is likely to be tolerated. In summary, the available evidence is currently insufficient to determine the role of this variant in disease. Therefore, it has been classified as a Variant of Uncertain Significance.

NM_002949.4(MRPL12):c.88T>C (p.Cys30Arg)

Gene: MRPL12 (mitochondrial ribosomal protein L12; plus strand). Cytogenetic location: 17q25.3.
Variant type: single nucleotide variant.
Coding change: c.88T>C on transcript NM_002949.4 (MANE Select); coding-DNA position 88, T replaced by C.
Protein change: p.Cys30Arg; replaces cysteine 30 with arginine.
Molecular consequence: missense variant.
Genome position (GRCh38, 1-based): chr17:81,704,257, T>C. VCF-style: chr17-81704257-T-C. GRCh37 (hg19) VCF-style: chr17-79671287-T-C.
Other names: short protein forms C30R.
Identifiers: ClinVar variation 1985685 (VCV001985685.4), dbSNP rs766192147, ClinGen allele CA8841249.